The following is an entry in ClinVar:

ClinVar aggregate classification (germline): Uncertain significance (1 of 4 stars; one submission).

Conditions:
Hereditary cancer-predisposing syndrome. Also called: Neoplastic Syndromes, Hereditary; Tumor predisposition; Hereditary Cancer Syndrome; Hereditary neoplastic syndrome. Identifiers: Orphanet 140162, MedGen C0027672, MeSH D009386, MONDO:0015356.

Submission:

Ambry Genetics
Classification: Uncertain significance for Hereditary cancer-predisposing syndrome. Last evaluated: 2022-04-06. Review status: criteria provided, single submitter. Criteria: Ambry Variant Classification Scheme 2023. Collection method: clinical testing. Allele origin: germline.
Comment: The p.L818V variant (also known as c.2452C>G), located in coding exon 4 of the MSH6 gene, results from a C to G substitution at nucleotide position 2452. The leucine at codon 818 is replaced by valine, an amino acid with highly similar properties. This amino acid position is highly conserved in available vertebrate species. In addition, the in silico prediction for this alteration is inconclusive. Since supporting evidence is limited at this time, the clinical significance of this alteration remains unclear.

NM_000179.3(MSH6):c.2452C>G (p.Leu818Val)

Gene: MSH6 (mutS homolog 6; plus strand). Cytogenetic location: 2p16.3.
Variant type: single nucleotide variant.
Coding change: c.2452C>G on transcript NM_000179.3 (MANE Select); coding-DNA position 2452, C replaced by G.
Protein change: p.Leu818Val; replaces leucine 818 with valine.
Molecular consequence: missense variant.
Genome position (GRCh38, 1-based): chr2:47,800,435, C>G. VCF-style: chr2-47800435-C-G. GRCh37 (hg19) VCF-style: chr2-48027574-C-G.
Other names: c.2062C>G, p.Leu688Val (NM_001281492.2); c.1546C>G, p.Leu516Val (NM_001281493.2, NM_001281494.2); short protein forms L818V, L516V, L688V.
Identifiers: ClinVar variation 187283 (VCV000187283.5), dbSNP rs786203612, ClinGen allele CA010280.